The following is an entry in ClinVar:

NM_022763.4(FNDC3B):c.771G>C (p.Ser257=)

Gene: FNDC3B (fibronectin type III domain containing 3B; plus strand). Cytogenetic location: 3q26.31.
Variant type: single nucleotide variant.
Coding change: c.771G>C on transcript NM_022763.4 (MANE Select); coding-DNA position 771, G replaced by C.
Protein change: p.Ser257=; no amino-acid change (serine 257 retained).
Molecular consequence: synonymous variant.
Genome position (GRCh38, 1-based): chr3:172,251,522, G>C. VCF-style: chr3-172251522-G-C. GRCh37 (hg19) VCF-style: chr3-171969312-G-C.
Other names: c.771G>C, p.Ser257= (NM_001135095.2).
Identifiers: ClinVar variation 3044133 (VCV003044133.2), dbSNP rs34553291, ClinGen allele CA2705444.

ClinVar aggregate classification (germline): Benign (0 of 4 stars; one submission).

Conditions:
FNDC3B-related disorder. Also called: FNDC3B-related condition.

Allele frequency attached by ClinVar (database versions not stated): 1000 Genomes Project 0.00559; 1000 Genomes Project 30x 0.00625; ESP Exome Variant Server 0.00707.
gnomAD v4.1: 1,902 of 1,612,708 alleles (0.12%); highest among the groups gnomAD compares: African/African-American, 2.3%; 28 homozygotes.

Submission:

PreventionGenetics, part of Exact Sciences
Classification: Benign for FNDC3B-related condition. Last evaluated: 2019-12-16. Review status: no assertion criteria provided. Collection method: clinical testing. Allele origin: germline.
Comment: This variant is classified as benign based on ACMG/AMP sequence variant interpretation guidelines (Richards et al. 2015 PMID: 25741868, with internal and published modifications).